The following is an entry in ClinVar:

NM_002334.4(LRP4):c.2656C>T (p.Arg886Ter)

Gene: LRP4 (LDL receptor related protein 4; minus strand). Cytogenetic location: 11p11.2.
Variant type: single nucleotide variant.
Coding change: c.2656C>T on transcript NM_002334.4 (MANE Select); coding-DNA position 2656, C replaced by T.
Protein change: p.Arg886Ter; replaces arginine 886 with a stop codon.
Molecular consequence: nonsense.
Genome position (GRCh38, 1-based): chr11:46,881,860, G>A on the plus strand (C>T on the coding strand, the complement: LRP4 is on the minus strand). VCF-style: chr11-46881860-G-A. GRCh37 (hg19) VCF-style: chr11-46903411-G-A.
Other names: short protein forms R886*.
Identifiers: ClinVar variation 4783116 (VCV004783116.1).
Genomic context (GRCh38, chr11:46,881,860, plus strand): 5'-TAGGCCAGGTCAGATTAGAAGAGATAATGACTTGGCGGCCTGAGGCATCCATGCCAGCTC[G>A]TTCAATCTTGGGGCTCGCACCCCAGTCAGTCCAATACATGTACCTGGGCAAAGGCAAGGC-3'

ClinVar aggregate classification (germline): Pathogenic (1 of 4 stars; one submission).

Conditions:
Cenani-Lenz syndactyly syndrome. Also called: CENANI SYNDACTYLISM; SYNDACTYLY, TYPE VII. Identifiers: Orphanet 3258, MedGen C1859309, MONDO:0008931, OMIM 212780.
Sclerosteosis 2 (SOST2). Identifiers: Orphanet 3152, MedGen C3280402, MONDO:0013679, OMIM 614305.
Congenital myasthenic syndrome 17. Identifiers: Orphanet 590, MedGen C4225377, MONDO:0014578, OMIM 616304.

Submission:

Labcorp Genetics (formerly Invitae), Labcorp
Classification: Pathogenic for Cenani-Lenz syndactyly syndrome; Sclerosteosis 2; Congenital myasthenic syndrome 17. Last evaluated: 2025-07-30. Review status: criteria provided, single submitter. Criteria: Invitae Variant Classification Sherloc (09022015). Collection method: clinical testing. Allele origin: germline.
Comment: This sequence change creates a premature translational stop signal (p.Arg886*) in the LRP4 gene. It is expected to result in an absent or disrupted protein product. Loss-of-function variants in LRP4 are known to be pathogenic (PMID: 23636941, 24924585). This variant is not present in population databases (gnomAD no frequency). This variant has not been reported in the literature in individuals affected with LRP4-related conditions. Algorithms developed to predict the effect of sequence changes on RNA splicing suggest that this variant may disrupt the consensus splice site. For these reasons, this variant has been classified as Pathogenic.

Literature cited by the submitters: PubMed 23636941; PubMed 24924585.